The following is an entry in ClinVar:

NM_000260.4(MYO7A):c.3545A>G (p.Asn1182Ser)

Gene: MYO7A (myosin VIIA; plus strand). Cytogenetic location: 11q13.5.
Variant type: single nucleotide variant.
Coding change: c.3545A>G on transcript NM_000260.4 (MANE Select); coding-DNA position 3545, A replaced by G.
Protein change: p.Asn1182Ser; replaces asparagine 1182 with serine.
Molecular consequence: missense variant.
Genome position (GRCh38, 1-based): chr11:77,189,385, A>G. VCF-style: chr11-77189385-A-G. GRCh37 (hg19) VCF-style: chr11-76900430-A-G.
Other names: c.3545A>G, p.Asn1182Ser (NM_001127180.2); c.3512A>G, p.Asn1171Ser (NM_001369365.1); short protein forms N1171S, N1182S.
Identifiers: ClinVar variation 2979938 (VCV002979938.3), dbSNP rs782633598, ClinGen allele CA6198110.
Genomic context (GRCh38, chr11:77,189,385, plus strand): 5'-TGCCCTGCTGCCTGCCCAGGGACGAGATCTACTGCCAGATCAGCAAGCAGCTGACCCACA[A>G]CCCCTCCAAGAGCAGCTATGCCCGGGGCTGGATTCTCGTGTCTCTCTGCGTGGGCTGTTT-3'
Protein context (NP_000251.3, residues 1172-1192): YCQISKQLTH[Asn1182Ser]PSKSSYARGW

ClinVar aggregate classification (germline): Likely pathogenic (1 of 4 stars; one submission).

Allele frequency attached by ClinVar (database versions not stated): ExAC 0.00001; gnomAD exomes 0.00001.
gnomAD v4.1: 3 of 1,613,514 alleles (0.00019%); highest among the groups gnomAD compares: East Asian, 0.0067%; no homozygotes.

Submission:

Labcorp Genetics (formerly Invitae), Labcorp
Classification: Likely pathogenic. Last evaluated: 2024-01-22. Review status: criteria provided, single submitter. Criteria: Invitae Variant Classification Sherloc (09022015). Collection method: clinical testing. Allele origin: germline.
Comment: This sequence change replaces asparagine, which is neutral and polar, with serine, which is neutral and polar, at codon 1182 of the MYO7A protein (p.Asn1182Ser). This variant is present in population databases (rs782633598, gnomAD 0.02%). This variant has not been reported in the literature in individuals affected with MYO7A-related conditions. Advanced modeling of protein sequence and biophysical properties (such as structural, functional, and spatial information, amino acid conservation, physicochemical variation, residue mobility, and thermodynamic stability) performed at Invitae indicates that this missense variant is expected to disrupt MYO7A protein function with a positive predictive value of 95%. This variant disrupts the p.Asn1182 amino acid residue in MYO7A. Other variant(s) that disrupt this residue have been determined to be pathogenic (PMID: 27460420, 28041643; Invitae). This suggests that this residue is clinically significant, and that variants that disrupt this residue are likely to be disease-causing. In summary, the currently available evidence indicates that the variant is pathogenic, but additional data are needed to prove that conclusively. Therefore, this variant has been classified as Likely Pathogenic.

Literature cited by the submitters: PubMed 27460420; PubMed 28041643.